The following is an entry in ClinVar:

NM_001408.3(CELSR2):c.2583C>T (p.Asp861=)

Gene: CELSR2 (cadherin EGF LAG seven-pass G-type receptor 2; plus strand). Cytogenetic location: 1p13.3.
Variant type: single nucleotide variant.
Coding change: c.2583C>T on transcript NM_001408.3 (MANE Select); coding-DNA position 2583, C replaced by T.
Protein change: p.Asp861=; no amino-acid change (aspartic acid 861 retained).
Molecular consequence: synonymous variant.
Genome position (GRCh38, 1-based): chr1:109,252,662, C>T. VCF-style: chr1-109252662-C-T. GRCh37 (hg19) VCF-style: chr1-109795284-C-T.
Identifiers: ClinVar variation 3041214 (VCV003041214.3), dbSNP rs150411435, ClinGen allele CA986787.

ClinVar aggregate classification (germline): Likely benign. Review status: criteria provided, single submitter (1 of 4 stars). 2 submissions from 2 submitters: Likely benign (1). 1 of the submissions does not count toward it. Last evaluated 2024-11-18.

Conditions:
CELSR2-related disorder. Also called: CELSR2-related condition.

Allele frequency attached by ClinVar (database versions not stated): TOPMed 0.00006; ESP Exome Variant Server 0.00008; gnomAD 0.00048; gnomAD exomes 0.00069; ExAC 0.00146; 1000 Genomes Project 30x 0.00234; 1000 Genomes Project 0.00280.
gnomAD v4.1: 1,082 of 1,613,902 alleles (0.067%); highest among the groups gnomAD compares: South Asian, 1.1%; 21 homozygotes.

Submissions (2):

Blueprint Genetics
Classification: Likely benign. Last evaluated: 2024-11-18. Review status: criteria provided, single submitter. Criteria: ACMG Guidelines, 2015. Collection method: clinical testing. Allele origin: germline.

PreventionGenetics, part of Exact Sciences
Classification: Benign for CELSR2-related condition. Last evaluated: 2019-04-25. Review status: no assertion criteria provided. Collection method: clinical testing. Allele origin: germline. Not counted in ClinVar's aggregate classification.
Comment: This variant is classified as benign based on ACMG/AMP sequence variant interpretation guidelines (Richards et al. 2015 PMID: 25741868, with internal and published modifications).